The following is an entry in ClinVar:

ClinVar aggregate classification (germline): Uncertain significance (1 of 4 stars; one submission).

Conditions:
Developmental and epileptic encephalopathy, 11 (DEE11). Also called: Early infantile epileptic encephalopathy 11. Identifiers: Orphanet 1934, MedGen C3150987, MONDO:0013388, OMIM 613721.
Seizures, benign familial infantile, 3 (BFIS3). Also called: Familial neonatal seizures; CONVULSIONS, BENIGN FAMILIAL INFANTILE, 3. Identifiers: Orphanet 140927, Orphanet 306, MedGen C1843140, MONDO:0011904, OMIM 607745.

Submission:

Labcorp Genetics (formerly Invitae), Labcorp
Classification: Uncertain significance for Seizures, benign familial infantile, 3; Developmental and epileptic encephalopathy, 11. Last evaluated: 2024-02-07. Review status: criteria provided, single submitter. Criteria: Invitae Variant Classification Sherloc (09022015). Collection method: clinical testing. Allele origin: germline.
Comment: This variant, c.1206_1208del, results in the deletion of 1 amino acid(s) of the SCN2A protein (p.Met402del), but otherwise preserves the integrity of the reading frame. This variant is not present in population databases (gnomAD no frequency). This variant has not been reported in the literature in individuals affected with SCN2A-related conditions. Experimental studies and prediction algorithms are not available or were not evaluated, and the functional significance of this variant is currently unknown. In summary, the available evidence is currently insufficient to determine the role of this variant in disease. Therefore, it has been classified as a Variant of Uncertain Significance.

NM_001040142.2(SCN2A):c.1206_1208del (p.Met402del)

Gene: SCN2A (sodium voltage-gated channel alpha subunit 2; plus strand). Cytogenetic location: 2q24.3.
Variant type: Deletion.
Coding change: c.1206_1208del on transcript NM_001040142.2 (MANE Select); coding-DNA positions 1206 to 1208, 3 bases deleted (GAT; older notation c.1206_1208delGAT).
Protein change: p.Met402del; deletes methionine 402.
Molecular consequence: inframe deletion.
Genome position (GRCh38, 1-based): chr2:165,313,931-165,313,933, GAT deleted; deleting any 3 consecutive bases within chr2:165,313,929-165,313,933 gives the same sequence; the c. name uses the placement nearest the transcript's 3' end. VCF-style (leftmost placement, unchanged base first): chr2-165313928-CATG-C. GRCh37 (hg19) VCF-style: chr2-166170438-CATG-C.
Other names: c.1206_1208del, p.Met402del (NM_001040143.2, NM_001371246.1, NM_001371247.1 and 1 more transcripts); short protein forms M402del.
Identifiers: ClinVar variation 2922376 (VCV002922376.3), dbSNP rs2467902492, ClinGen allele CA2740095808.